The following is an entry in ClinVar:

NM_001243133.2(NLRP3):c.2725A>G (p.Asn909Asp)

Gene: NLRP3 (NLR family pyrin domain containing 3; plus strand). Cytogenetic location: 1q44.
Variant type: single nucleotide variant.
Coding change: c.2725A>G on transcript NM_001243133.2 (MANE Select); coding-DNA position 2725, A replaced by G.
Protein change: p.Asn909Asp; replaces asparagine 909 with aspartic acid.
Molecular consequence: missense variant.
Genome position (GRCh38, 1-based): chr1:247,444,033, A>G. VCF-style: chr1-247444033-A-G. GRCh37 (hg19) VCF-style: chr1-247607335-A-G.
Other names: c.2725A>G, p.Asn909Asp (NM_001079821.3); c.2554A>G, p.Asn852Asp (NM_001127461.3, NM_001127462.3); c.2731A>G, p.Asn911Asp (NM_004895.5); c.2383A>G, p.Asn795Asp (NM_183395.3); short protein forms N795D, N852D, N909D, N911D.
Identifiers: ClinVar variation 1490655 (VCV001490655.6), dbSNP rs1297130802, ClinGen allele CA345564971.

ClinVar aggregate classification (germline): Uncertain significance (1 of 4 stars; one submission).

Conditions:
Cryopyrin associated periodic syndrome (CAPS). Identifiers: Orphanet 208650, MedGen C2316212, MONDO:0016168.

Allele frequency attached by ClinVar (database versions not stated): gnomAD exomes below 0.00001.
gnomAD v4.1: 1 of 1,614,172 alleles (0.000062%); highest among the groups gnomAD compares: Admixed American, 0.0017%; no homozygotes.

Submission:

Labcorp Genetics (formerly Invitae), Labcorp
Classification: Uncertain significance for Cryopyrin associated periodic syndrome. Last evaluated: 2022-07-05. Review status: criteria provided, single submitter. Criteria: Invitae Variant Classification Sherloc (09022015). Collection method: clinical testing. Allele origin: germline.
Comment: In summary, the available evidence is currently insufficient to determine the role of this variant in disease. Therefore, it has been classified as a Variant of Uncertain Significance. Advanced modeling of protein sequence and biophysical properties (such as structural, functional, and spatial information, amino acid conservation, physicochemical variation, residue mobility, and thermodynamic stability) performed at Invitae indicates that this missense variant is expected to disrupt NLRP3 protein function. ClinVar contains an entry for this variant (Variation ID: 1490655). This variant has not been reported in the literature in individuals affected with NLRP3-related conditions. This variant is present in population databases (no rsID available, gnomAD 0.003%). This sequence change replaces asparagine, which is neutral and polar, with aspartic acid, which is acidic and polar, at codon 911 of the NLRP3 protein (p.Asn911Asp).